The following is an entry in ClinVar:

ClinVar aggregate classification (germline): Likely benign (1 of 4 stars; one submission).

gnomAD v4.1: 103 of 1,610,016 alleles (0.0064%); highest among the groups gnomAD compares: South Asian, 0.077%; no homozygotes.

Submission:

CeGaT Center for Human Genetics Tuebingen
Classification: Likely benign. Last evaluated: 2026-05-01. Review status: criteria provided, single submitter. Criteria: CeGaT Center For Human Genetics Tuebingen Variant Classification Criteria Version 2. Collection method: clinical testing. Allele origin: germline. Affected: yes. Observed: 1 variant allele.
Comment: TIAM1: BP4, BP7

NM_001353694.2(TIAM1):c.4306+32C>T

Gene: TIAM1 (TIAM Rac1 associated GEF 1; minus strand). Cytogenetic location: 21q22.11.
Variant type: single nucleotide variant.
Coding change: c.4306+32C>T on transcript NM_001353694.2 (MANE Select); 32 bases into the intron after coding-DNA position 4306, C replaced by T.
Molecular consequence: intron variant.
Genome position (GRCh38, 1-based): chr21:31,124,490, G>A on the plus strand (C>T on the coding strand, the complement: TIAM1 is on the minus strand). VCF-style: chr21-31124490-G-A. GRCh37 (hg19) VCF-style: chr21-32496808-G-A.
Other names: c.4306+32C>T (NM_001353690.1, NM_003253.3, NM_001353688.1 and 4 more transcripts); c.4231+32C>T (NM_001353687.2, NM_001353686.2); c.1330+32C>T (NM_001353685.2); c.1405+32C>T (NM_001353684.2).
Identifiers: ClinVar variation 4872273 (VCV004872273.2).
Genomic context (GRCh38, chr21:31,124,490, plus strand): 5'-TCACCCCCACTCAACAAGGAGGTCAAGCTCACTGGAGTTCTACTGCGGAGTGGGGGTGAC[G>A]GGAATCTTGAACGTCCGAATCCCCACAGTACCTGCCCTGCTCATGGCCGGCCTGGCCCCC-3'